The following is an entry in ClinVar:

ClinVar aggregate classification (germline): Pathogenic (1 of 4 stars; one submission).

Conditions:
Maple syrup urine disease (MSUD). Identifiers: Orphanet 511, MedGen C0024776, MeSH D008375, MONDO:0009563. Disease mechanism: loss of function.

Submission:

Labcorp Genetics (formerly Invitae), Labcorp
Classification: Pathogenic for Maple syrup urine disease. Last evaluated: 2022-02-27. Review status: criteria provided, single submitter. Criteria: Invitae Variant Classification Sherloc (09022015). Collection method: clinical testing. Allele origin: germline.
Comment: For these reasons, this variant has been classified as Pathogenic. This variant has not been reported in the literature in individuals affected with DBT-related conditions. This variant is not present in population databases (gnomAD no frequency). This sequence change creates a premature translational stop signal (p.Lys167Asnfs*18) in the DBT gene. It is expected to result in an absent or disrupted protein product. Loss-of-function variants in DBT are known to be pathogenic (PMID: 16579849, 16786533).

Literature cited by the submitters: PubMed 16579849; PubMed 16786533.

NM_001918.5(DBT):c.501_513del (p.Lys167fs)

Gene: DBT (dihydrolipoamide branched chain transacylase E2; minus strand). Cytogenetic location: 1p21.2.
Variant type: Deletion.
Coding change: c.501_513del on transcript NM_001918.5 (MANE Select); coding-DNA positions 501 to 513, 13 bases deleted (GGGCCGAAAAACA).
Protein change: p.Lys167fs; shifts the reading frame from lysine 167.
Molecular consequence: frameshift variant. On other transcripts: 5 prime UTR variant (2), non-coding transcript variant (4).
Genome position (GRCh38, 1-based): chr1:100,218,668-100,218,680, TGTTTTTCGGCCC deleted on the plus strand (GGGCCGAAAAACA on the coding strand, the reverse complement: DBT is on the minus strand); deleting any 13 consecutive bases within chr1:100,218,668-100,218,681 gives the same sequence; the c. name uses the placement nearest the transcript's 3' end. VCF-style (leftmost placement, unchanged base first): chr1-100218667-GTGTTTTTCGGCCC-G. GRCh37 (hg19) VCF-style: chr1-100684223-GTGTTTTTCGGCCC-G.
Other names: c.-43_-31del (NM_001399969.1, NM_001399972.1); short protein forms K167fs.
Identifiers: ClinVar variation 2103989 (VCV002103989.4), dbSNP rs2524164669, ClinGen allele CA2580060672.